The following is an entry in ClinVar:

ClinVar aggregate classification (germline): Pathogenic. Review status: criteria provided, multiple submitters, no conflicts (2 of 4 stars). 5 submissions from 5 submitters: Pathogenic (5). Last evaluated 2026-02-25.

Conditions:
Cornelia de Lange syndrome 1 (CDLS1). Also called: TYPUS DEGENERATIVUS AMSTELODAMENSIS; Brachmann de Lange syndrome; NIPBL-Related Cornelia de Lange Syndrome. Identifiers: Orphanet 199, MedGen C4551851, MONDO:0007387, OMIM 122470.

Submissions (5):

Victorian Clinical Genetics Services, Murdoch Childrens Research Institute
Classification: Pathogenic for Cornelia de Lange syndrome 1. Last evaluated: 2026-02-25. Review status: criteria provided, single submitter. Criteria: ACMG Guidelines, 2015. Collection method: clinical testing. Allele origin: germline. Affected: yes.
Comment: This variant is classified as Pathogenic. Evidence in support of pathogenic classification: Variant is predicted to cause nonsense-mediated decay (NMD) and loss of protein (premature termination codon is located at least 54 nucleotides upstream of the final exon-exon junction); Variant is absent from gnomAD (v2, v3 and v4); This variant has moderate previous evidence of pathogenicity in unrelated individuals. This variant has been classified as pathogenic by clinical laboratories in ClinVar; Other NMD-predicted variant(s) comparable to the one identified in this case have very strong previous evidence for pathogenicity (DECIPHER); Additional information: This variant is heterozygous; This gene is associated with autosomal dominant disease; Loss of function is a known mechanism of disease in this gene and is associated with Cornelia de Lange syndrome 1 (MIM#122470).

Labcorp Genetics (formerly Invitae), Labcorp
Classification: Pathogenic for Cornelia de Lange syndrome 1. Last evaluated: 2024-10-14. Review status: criteria provided, single submitter. Criteria: Invitae Variant Classification Sherloc (09022015). Collection method: clinical testing. Allele origin: germline.
Comment: This sequence change creates a premature translational stop signal (p.Gln822Asnfs*24) in the NIPBL gene. It is expected to result in an absent or disrupted protein product. Loss-of-function variants in NIPBL are known to be pathogenic (PMID: 15318302, 19763162, 23505322, 29995837). This variant is not present in population databases (gnomAD no frequency). This premature translational stop signal has been observed in individual(s) with Cornelia de Lange syndrome (PMID: 37377026). ClinVar contains an entry for this variant (Variation ID: 436012). For these reasons, this variant has been classified as Pathogenic.

GeneDx
Classification: Pathogenic. Last evaluated: 2024-08-23. Review status: criteria provided, single submitter. Criteria: GeneDx Variant Classification Process June 2021. Collection method: clinical testing. Allele origin: germline. Affected: yes.
Comment: Reported in a patient with Cornelia de Lange syndrome (PMID: 37377026); Frameshift variant predicted to result in protein truncation or nonsense mediated decay in a gene for which loss of function is a known mechanism of disease; Not observed at significant frequency in large population cohorts (gnomAD); This variant is associated with the following publications: (PMID: 37377026)

Genome-Nilou Lab
Classification: Pathogenic for Cornelia de Lange syndrome 1. Last evaluated: 2021-07-15. Review status: criteria provided, single submitter. Criteria: ACMG Guidelines, 2015. Collection method: clinical testing. Allele origin: germline. Affected: no.

Genetic Services Laboratory, University of Chicago
Classification: Pathogenic for Cornelia de Lange syndrome 1. Last evaluated: 2016-02-09. Review status: criteria provided, single submitter. Criteria: ACMG Guidelines, 2015. Collection method: clinical testing. Allele origin: germline. Affected: yes.

Literature cited by the submitters: PubMed 15318302 (cited by Labcorp Genetics (formerly Invitae), Labcorp); PubMed 19763162 (cited by Labcorp Genetics (formerly Invitae), Labcorp); PubMed 23505322 (cited by Labcorp Genetics (formerly Invitae), Labcorp); PubMed 29995837 (cited by Labcorp Genetics (formerly Invitae), Labcorp); PubMed 37377026 (cited by Labcorp Genetics (formerly Invitae), Labcorp).

NM_133433.4(NIPBL):c.2464_2467del (p.Gln822fs)

Gene: NIPBL (NIPBL cohesin loading factor; plus strand). Cytogenetic location: 5p13.2.
Variant type: Deletion.
Coding change: c.2464_2467del on transcript NM_133433.4 (MANE Select); coding-DNA positions 2464 to 2467, 4 bases deleted (CAAA; older notation c.2464_2467delCAAA).
Protein change: p.Gln822fs; shifts the reading frame from glutamine 822.
Molecular consequence: frameshift variant.
Genome position (GRCh38, 1-based): chr5:36,985,644-36,985,647, CAAA deleted; deleting any 4 consecutive bases within chr5:36,985,641-36,985,647 gives the same sequence; the c. name uses the placement nearest the transcript's 3' end. VCF-style (leftmost placement, unchanged base first): chr5-36985640-TAAAC-T. GRCh37 (hg19) VCF-style: chr5-36985742-TAAAC-T.
Other names: c.2464_2467del, p.Gln822fs (NM_015384.5); short protein forms Q822fs.
Identifiers: ClinVar variation 436012 (VCV000436012.16), dbSNP rs1554017345, ClinGen allele CA645372765.